The following is an entry in ClinVar:

ClinVar aggregate classification (germline): Uncertain significance (1 of 4 stars; one submission).

gnomAD v4.1: 4 of 1,586,172 alleles (0.00025%); highest among the groups gnomAD compares: African/African-American, 0.004%; no homozygotes.

Submission:

Labcorp Genetics (formerly Invitae), Labcorp
Classification: Uncertain significance. Last evaluated: 2024-10-21. Review status: criteria provided, single submitter. Criteria: Invitae Variant Classification Sherloc (09022015). Collection method: clinical testing. Allele origin: germline.
Comment: This sequence change replaces isoleucine, which is neutral and non-polar, with valine, which is neutral and non-polar, at codon 668 of the CEP89 protein (p.Ile668Val). This variant is present in population databases (rs372993629, gnomAD 0.01%). This variant has not been reported in the literature in individuals affected with CEP89-related conditions. An algorithm developed to predict the effect of missense changes on protein structure and function (PolyPhen-2) suggests that this variant is likely to be tolerated. In summary, the available evidence is currently insufficient to determine the role of this variant in disease. Therefore, it has been classified as a Variant of Uncertain Significance.

NM_032816.5(CEP89):c.2002A>G (p.Ile668Val)

Gene: CEP89 (centrosomal protein 89; minus strand). Cytogenetic location: 19q13.11.
Variant type: single nucleotide variant.
Coding change: c.2002A>G on transcript NM_032816.5 (MANE Select); coding-DNA position 2002, A replaced by G.
Protein change: p.Ile668Val; replaces isoleucine 668 with valine.
Molecular consequence: missense variant.
Genome position (GRCh38, 1-based): chr19:32,881,977, T>C on the plus strand (A>G on the coding strand, the complement: CEP89 is on the minus strand). VCF-style: chr19-32881977-T-C. GRCh37 (hg19) VCF-style: chr19-33372883-T-C.
Other names: short protein forms I668V.
Identifiers: ClinVar variation 3632120 (VCV003632120.2).
Genomic context (GRCh38, chr19:32,881,977, plus strand): 5'-GCCGGTACTGGGCTGTCTTGCCGGCGAAGTCCTCCTGCTGCTCCAGCAGACGGTGACTGA[T>C]GTCCCCCAGCTTCAGTGCTGCCTGCTTCTTGTAGCCCTGGTCGGGGGAAGGACTCTGTGA-3'
Protein context (NP_116205.3, residues 658-678): KKQAALKLGD[Ile668Val]SHRLLEQQED